The following is an entry in ClinVar:

ClinVar aggregate classification (germline): Uncertain significance. Review status: criteria provided, multiple submitters, no conflicts (2 of 4 stars). 2 submissions from 2 submitters: Uncertain significance (2). Last evaluated 2022-11-30.

Conditions:
Inborn genetic diseases. Identifiers: MedGen C0950123, MeSH D030342.

Allele frequency attached by ClinVar (database versions not stated): ExAC 0.00001; gnomAD exomes 0.00001; TOPMed 0.00002; gnomAD 0.00003.
gnomAD v4.1: 22 of 1,609,132 alleles (0.0014%); highest among the groups gnomAD compares: African/African-American, 0.0067%; no homozygotes.

Submissions (2):

Mayo Clinic Laboratories, Mayo Clinic
Classification: Uncertain significance. Last evaluated: 2022-11-30. Review status: criteria provided, single submitter. Criteria: ACMG Guidelines, 2015. Collection method: clinical testing. Allele origin: germline. Observed: 1 variant allele.
Comment: BP4

Ambry Genetics
Classification: Uncertain significance for Inborn genetic diseases. Last evaluated: 2022-08-17. Review status: criteria provided, single submitter. Criteria: Ambry Variant Classification Scheme 2023. Collection method: clinical testing. Allele origin: germline.

NM_139027.6(ADAMTS13):c.3301G>A (p.Gly1101Arg)

Gene: ADAMTS13 (ADAM metallopeptidase with thrombospondin type 1 motif 13; plus strand). Cytogenetic location: 9q34.2.
Variant type: single nucleotide variant.
Coding change: c.3301G>A on transcript NM_139027.6 (MANE Select); coding-DNA position 3301, G replaced by A.
Protein change: p.Gly1101Arg; replaces glycine 1101 with arginine.
Molecular consequence: missense variant. On other transcripts: non-coding transcript variant (1).
Genome position (GRCh38, 1-based): chr9:133,455,336, G>A. VCF-style: chr9-133455336-G-A. GRCh37 (hg19) VCF-style: chr9-136320458-G-A.
Other names: p.Gly1101Arg; c.3301G>A, p.Gly1101Arg (NM_139025.5); c.3208G>A, p.Gly1070Arg (NM_139026.6); short protein forms G1070R, G1101R.
Identifiers: ClinVar variation 2308250 (VCV002308250.3), dbSNP rs781809898, ClinGen allele CA200943975.